The following is an entry in ClinVar:

NM_032444.4(SLX4):c.*1041A>G

Gene: SLX4 (SLX4 structure-specific endonuclease subunit; minus strand). Cytogenetic location: 16p13.3.
Variant type: single nucleotide variant.
Coding change: c.*1041A>G on transcript NM_032444.4 (MANE Select); 1041 bases downstream of the stop codon, A replaced by G.
Molecular consequence: 3 prime UTR variant.
Genome position (GRCh38, 1-based): chr16:3,581,301, T>C on the plus strand (A>G on the coding strand, the complement: SLX4 is on the minus strand). VCF-style: chr16-3581301-T-C. GRCh37 (hg19) VCF-style: chr16-3631302-T-C.
Identifiers: ClinVar variation 888239 (VCV000888239.4), dbSNP rs117958592, ClinGen allele CA276950961.

ClinVar aggregate classification (germline): Likely benign (1 of 4 stars; one submission).

Conditions:
Fanconi anemia complementation group P. Also called: SLX4-Related Fanconi Anemia. Identifiers: Orphanet 84, MedGen C3469542, MONDO:0013499, OMIM 613951.

Allele frequency attached by ClinVar (database versions not stated): 1000 Genomes Project 30x 0.00078; 1000 Genomes Project 0.00080; gnomAD exomes 0.00205; gnomAD 0.00271 and 0.00304; TOPMed 0.00276.
gnomAD v4.1: 442 of 152,858 alleles (0.29%); highest among the groups gnomAD compares: Non-Finnish European, 0.5%; 1 homozygote.

Submission:

Illumina Laboratory Services, Illumina
Classification: Likely benign for Fanconi anemia complementation group P. Last evaluated: 2018-01-13. Review status: criteria provided, single submitter. Criteria: ICSL Variant Classification Criteria 13 December 2019. Collection method: clinical testing. Allele origin: germline.
Comment: This variant was observed in the ICSL laboratory as part of a predisposition screen in an ostensibly healthy population. It had not been previously curated by ICSL or reported in the Human Gene Mutation Database (HGMD: prior to June 1st, 2018), and was therefore a candidate for classification through an automated scoring system. Utilizing variant allele frequency, disease prevalence and penetrance estimates, and inheritance mode, an automated score was calculated to assess if this variant is too frequent to cause the disease. Based on the score and internal cut-off values, a variant classified as likely benign is not then subjected to further curation. The score for this variant resulted in a classification of likely benign for this disease.